The following is an entry in ClinVar:

NM_004371.4(COPA):c.1527C>T (p.His509=)

Gene: COPA (coat protein complex I subunit alpha; minus strand). Cytogenetic location: 1q23.2.
Variant type: single nucleotide variant.
Coding change: c.1527C>T on transcript NM_004371.4 (MANE Select); coding-DNA position 1527, C replaced by T.
Protein change: p.His509=; no amino-acid change (histidine 509 retained).
Molecular consequence: synonymous variant.
Genome position (GRCh38, 1-based): chr1:160,305,689, G>A on the plus strand (C>T on the coding strand, the complement: COPA is on the minus strand). VCF-style: chr1-160305689-G-A. GRCh37 (hg19) VCF-style: chr1-160275479-G-A.
Other names: c.1527C>T, p.His509= (NM_001098398.2).
Identifiers: ClinVar variation 942633 (VCV000942633.9), dbSNP rs772265510, ClinGen allele CA1198089.

ClinVar aggregate classification (germline): Uncertain significance (1 of 4 stars; one submission).

Conditions:
Autoimmune interstitial lung disease-arthritis syndrome. Also called: Autoinflammation and autoimmunity, systemic, with immune dysregulation. Identifiers: Orphanet 444092, MedGen C5975714, MONDO:0014629.

Allele frequency attached by ClinVar (database versions not stated): gnomAD 0.00001; gnomAD exomes 0.00002; TOPMed 0.00002; ExAC 0.00004.
gnomAD v4.1: 15 of 1,613,964 alleles (0.00093%); highest among the groups gnomAD compares: Admixed American, 0.0033%; no homozygotes.

Submission:

Labcorp Genetics (formerly Invitae), Labcorp
Classification: Uncertain significance for Autoimmune interstitial lung disease-arthritis syndrome. Last evaluated: 2025-11-17. Review status: criteria provided, single submitter. Criteria: Invitae Variant Classification Sherloc (09022015). Collection method: clinical testing. Allele origin: germline.
Comment: This sequence change affects codon 509 of the COPA mRNA. It is a 'silent' change, meaning that it does not change the encoded amino acid sequence of the COPA protein. It affects a nucleotide within the consensus splice site. This variant is present in population databases (rs772265510, gnomAD 0.006%). This variant has not been reported in the literature in individuals affected with COPA-related conditions. ClinVar contains an entry for this variant (Variation ID: 942633). Algorithms developed to predict the effect of sequence changes on RNA splicing suggest that this variant is not likely to affect RNA splicing. In summary, the available evidence is currently insufficient to determine the role of this variant in disease. Therefore, it has been classified as a Variant of Uncertain Significance.